The following is an entry in ClinVar:

NM_006506.5(RASA2):c.880A>G (p.Arg294Gly)

Gene: RASA2 (RAS p21 protein activator 2; plus strand). Cytogenetic location: 3q23.
Variant type: single nucleotide variant.
Coding change: c.880A>G on transcript NM_006506.5 (MANE Select); coding-DNA position 880, A replaced by G.
Protein change: p.Arg294Gly; replaces arginine 294 with glycine.
Molecular consequence: missense variant.
Genome position (GRCh38, 1-based): chr3:141,570,928, A>G. VCF-style: chr3-141570928-A-G. GRCh37 (hg19) VCF-style: chr3-141289770-A-G.
Other names: c.880A>G, p.Arg294Gly (NM_001303245.3, NM_001303246.3); short protein forms R294G.
Identifiers: ClinVar variation 3632323 (VCV003632323.2).

ClinVar aggregate classification (germline): Uncertain significance (1 of 4 stars; one submission).

Submission:

Labcorp Genetics (formerly Invitae), Labcorp
Classification: Uncertain significance. Last evaluated: 2024-02-13. Review status: criteria provided, single submitter. Criteria: Invitae Variant Classification Sherloc (09022015). Collection method: clinical testing. Allele origin: germline.
Comment: This sequence change replaces arginine, which is basic and polar, with glycine, which is neutral and non-polar, at codon 294 of the RASA2 protein (p.Arg294Gly). This variant is not present in population databases (gnomAD no frequency). This variant has not been reported in the literature in individuals affected with RASA2-related conditions. Advanced modeling of protein sequence and biophysical properties (such as structural, functional, and spatial information, amino acid conservation, physicochemical variation, residue mobility, and thermodynamic stability) performed at Invitae indicates that this missense variant is not expected to disrupt RASA2 protein function with a negative predictive value of 80%. In summary, the available evidence is currently insufficient to determine the role of this variant in disease. Therefore, it has been classified as a Variant of Uncertain Significance.